The following is an entry in ClinVar:

NM_001035.3(RYR2):c.2879A>G (p.Lys960Arg)

Gene: RYR2 (ryanodine receptor 2; plus strand). Cytogenetic location: 1q43.
Variant type: single nucleotide variant.
Coding change: c.2879A>G on transcript NM_001035.3 (MANE Select); coding-DNA position 2879, A replaced by G.
Protein change: p.Lys960Arg; replaces lysine 960 with arginine.
Molecular consequence: missense variant.
Genome position (GRCh38, 1-based): chr1:237,530,483, A>G. VCF-style: chr1-237530483-A-G. GRCh37 (hg19) VCF-style: chr1-237693783-A-G.
Other names: short protein forms K960R.
Identifiers: ClinVar variation 4774932 (VCV004774932.1).

ClinVar aggregate classification (germline): Uncertain significance (1 of 4 stars; one submission).

Conditions:
Catecholaminergic polymorphic ventricular tachycardia 1. Also called: VENTRICULAR TACHYCARDIA, STRESS-INDUCED POLYMORPHIC 1; RYR2-Related Catecholaminergic Polymorphic Ventricular Tachycardia; VENTRICULAR TACHYCARDIA, CATECHOLAMINERGIC POLYMORPHIC, 1, WITH OR WITHOUT ATRIAL DYSFUNCTION AND/OR DILATED CARDIOMYOPATHY. Identifiers: Orphanet 3286, MedGen C1631597, MONDO:0011484, OMIM 604772.

gnomAD v4.1: 1 of 1,607,338 alleles (0.000062%); no homozygotes.

Submission:

Labcorp Genetics (formerly Invitae), Labcorp
Classification: Uncertain significance for Catecholaminergic polymorphic ventricular tachycardia 1. Last evaluated: 2025-04-21. Review status: criteria provided, single submitter. Criteria: Invitae Variant Classification Sherloc (09022015). Collection method: clinical testing. Allele origin: germline.
Comment: This sequence change replaces lysine, which is basic and polar, with arginine, which is basic and polar, at codon 960 of the RYR2 protein (p.Lys960Arg). This variant is not present in population databases (gnomAD no frequency). This variant has not been reported in the literature in individuals affected with RYR2-related conditions. Invitae Evidence Modeling of protein sequence and biophysical properties (such as structural, functional, and spatial information, amino acid conservation, physicochemical variation, residue mobility, and thermodynamic stability) indicates that this missense variant is not expected to disrupt RYR2 protein function with a negative predictive value of 95%. In summary, the available evidence is currently insufficient to determine the role of this variant in disease. Therefore, it has been classified as a Variant of Uncertain Significance.